The following is an entry in ClinVar:

NM_000384.3(APOB):c.7537C>T (p.Arg2513Ter)

Gene: APOB (apolipoprotein B; minus strand). Cytogenetic location: 2p24.1.
Variant type: single nucleotide variant.
Coding change: c.7537C>T on transcript NM_000384.3 (MANE Select); coding-DNA position 7537, C replaced by T.
Protein change: p.Arg2513Ter; replaces arginine 2513 with a stop codon.
Molecular consequence: nonsense.
Genome position (GRCh38, 1-based): chr2:21,009,331, G>A on the plus strand (C>T on the coding strand, the complement: APOB is on the minus strand). VCF-style: chr2-21009331-G-A. GRCh37 (hg19) VCF-style: chr2-21232203-G-A.
Other names: short protein forms R2513*.
Identifiers: ClinVar variation 69511 (VCV000069511.15), dbSNP rs146538280, ClinGen allele CA064481.
Genomic context (GRCh38, chr2:21,009,331, plus strand): 5'-GAAGTTCCTGCTGAATGTCCATTTGATACATTCGGTCTCGTGTATCTTCTAGGGTCTCTC[G>A]GAATTTGGCCTTCATGTGAGCCAAAGATGCTGAACTTAAAGCCTCCTGTAACCAATTGAT-3'

ClinVar aggregate classification (germline): Pathogenic. Review status: criteria provided, multiple submitters, no conflicts (2 of 4 stars). 3 submissions from 3 submitters: Pathogenic (3). Last evaluated 2024-03-30.

Conditions:
Hypercholesterolemia, autosomal dominant, type B (FHCL2). Also called: HYPERCHOLESTEROLEMIA, FAMILIAL, DUE TO LIGAND-DEFECTIVE APOLIPOPROTEIN B; Hyperlipoproteinemia Type IIb; APOLIPOPROTEIN B-100, FAMILIAL DEFECTIVE; APOLIPOPROTEIN B-100, FAMILIAL LIGAND-DEFECTIVE; APOB-Related Familial Hypercholesterolemia, Autosomal Dominant; Familial Hypercholesterolemia Type B. Identifiers: MedGen C1704417, MONDO:0007751, OMIM 144010.
Familial hypobetalipoproteinemia 1. Also called: APOB-Related Familial Hypobetalipoproteinemia; Hypobetalipoproteinemia, normotriglyceridemic; Acanthocytosis with hypobetalipoproteinemia. Identifiers: MedGen C4551990, MONDO:0014252, OMIM 615558.

Allele frequency attached by ClinVar (database versions not stated): TOPMed 0.00001; ESP Exome Variant Server 0.00008.

Submissions (3):

Labcorp Genetics (formerly Invitae), Labcorp
Classification: Pathogenic for Familial hypobetalipoproteinemia 1; Hypercholesterolemia, autosomal dominant, type B. Last evaluated: 2024-03-30. Review status: criteria provided, single submitter. Criteria: Invitae Variant Classification Sherloc (09022015). Collection method: clinical testing. Allele origin: germline.
Comment: This sequence change creates a premature translational stop signal (p.Arg2513*) in the APOB gene. It is expected to result in an absent or disrupted protein product. Loss-of-function variants in APOB are known to be pathogenic (PMID: 20032471). This variant is present in population databases (rs146538280, gnomAD 0.002%). This premature translational stop signal has been observed in individual(s) with autosomal dominant hypobetalipoproteinemia (PMID: 1940616, 28733173). It has also been observed to segregate with disease in related individuals. This variant is also known as 7665C>T or Arg2486X. ClinVar contains an entry for this variant (Variation ID: 69511). For these reasons, this variant has been classified as Pathogenic.

Fulgent Genetics
Classification: Pathogenic for Hypercholesterolemia, autosomal dominant, type B; Familial hypobetalipoproteinemia 1. Last evaluated: 2021-11-04. Review status: criteria provided, single submitter. Criteria: ACMG Guidelines, 2015. Collection method: clinical testing. Allele origin: unknown.

Juno Genomics, Hangzhou Juno Genomics, Inc
Classification: Pathogenic for Hypercholesterolemia, autosomal dominant, type B. Review status: criteria provided, single submitter. Criteria: ACMG Guidelines, 2015. Collection method: clinical testing. Allele origin: germline.
Comment: Absent from controls (or at extremely low frequency if recessive) in Genome Aggregation Database.;Null variant in a gene where loss of function (LOF) is a known mechanism of disease.;The prevalence of the variant in affected individuals is significantly increased compared to the prevalence in controls.;Patient's phenotype or family history is highly specific for a disease with a single genetic etiology.

Literature cited by the submitters: PubMed 20032471 (cited by Labcorp Genetics (formerly Invitae), Labcorp); PubMed 1940616 (cited by Labcorp Genetics (formerly Invitae), Labcorp); PubMed 28733173 (cited by Labcorp Genetics (formerly Invitae), Labcorp).